The following is an entry in ClinVar:

ClinVar aggregate classification (germline): Likely benign (0 of 4 stars; one submission).

Conditions:
GLIS2-related disorder. Also called: GLIS2-related condition.

gnomAD v4.1: 27 of 1,569,268 alleles (0.0017%); highest among the groups gnomAD compares: Admixed American, 0.011%; no homozygotes.

Submission:

PreventionGenetics, part of Exact Sciences
Classification: Likely benign for GLIS2-related condition. Last evaluated: 2024-08-06. Review status: no assertion criteria provided. Collection method: clinical testing. Allele origin: germline.
Comment: This variant is classified as likely benign based on ACMG/AMP sequence variant interpretation guidelines (Richards et al. 2015 PMID: 25741868, with internal and published modifications).

NM_032575.3(GLIS2):c.1536G>A (p.Pro512=)

Gene: GLIS2 (GLIS family zinc finger 2; plus strand). Cytogenetic location: 16p13.3.
Variant type: single nucleotide variant.
Coding change: c.1536G>A on transcript NM_032575.3 (MANE Select); coding-DNA position 1536, G replaced by A.
Protein change: p.Pro512=; no amino-acid change (proline 512 retained).
Molecular consequence: synonymous variant.
Genome position (GRCh38, 1-based): chr16:4,337,485, G>A. VCF-style: chr16-4337485-G-A. GRCh37 (hg19) VCF-style: chr16-4387486-G-A.
Other names: c.1536G>A, p.Pro512= (NM_001318918.2).
Identifiers: ClinVar variation 3358719 (VCV003358719.1).